The following is an entry in ClinVar:

NM_000075.4(CDK4):c.770T>A (p.Val257Glu)

Genes: TSPAN31 (tetraspanin 31; plus strand), CDK4 (cyclin dependent kinase 4; minus strand). Cytogenetic location: 12q14.1.
Variant type: single nucleotide variant.
Coding change: c.770T>A on transcript NM_000075.4 (MANE Select); coding-DNA position 770, T replaced by A.
Protein change: p.Val257Glu; replaces valine 257 with glutamic acid.
Molecular consequence: missense variant. On other transcripts: 3 prime UTR variant (3).
Genome position (GRCh38, 1-based): chr12:57,749,231, A>T on the plus strand (T>A on the coding strand, the complement: CDK4 is on the minus strand). VCF-style: chr12-57749231-A-T. GRCh37 (hg19) VCF-style: chr12-58143014-A-T.
Other names: c.*1941A>T (NM_001330168.2, NM_001330169.2, NM_005981.5); short protein forms V257E.
Identifiers: ClinVar variation 942816 (VCV000942816.10), dbSNP rs1955200973, ClinGen allele CA385543234.
Genomic context (GRCh38, chr12:57,749,231, plus strand): 5'-ATCTCCAGTACCAGCAGCAGCTGTGCTCCCGACTCCTCCATCTCAGGTACCACCGACTGC[A>T]CTGGGCGGGGCCCTCTGGGGGGAAAGGCTCCACGGGGCAGGGATACATCTCGAGGCCAGT-3'
Protein context (NP_000066.1, residues 247-267): GAFPPRGPRP[Val257Glu]QSVVPEMEES

ClinVar aggregate classification (germline): Uncertain significance. Review status: criteria provided, multiple submitters, no conflicts (2 of 4 stars). 2 submissions from 2 submitters: Uncertain significance (2). Last evaluated 2024-04-29.

Conditions:
Familial melanoma. Also called: Hereditary melanoma; Hereditary cutaneous melanoma. Identifiers: Orphanet 618, MedGen C1512419, MONDO:0018961.
Hereditary cancer-predisposing syndrome. Also called: Neoplastic Syndromes, Hereditary; Hereditary Cancer Syndrome; Tumor predisposition; Hereditary neoplastic syndrome. Identifiers: Orphanet 140162, MedGen C0027672, MeSH D009386, MONDO:0015356.

Submissions (2):

Labcorp Genetics (formerly Invitae), Labcorp
Classification: Uncertain significance for Familial melanoma. Last evaluated: 2024-04-29. Review status: criteria provided, single submitter. Criteria: Invitae Variant Classification Sherloc (09022015). Collection method: clinical testing. Allele origin: germline.
Comment: This sequence change replaces valine, which is neutral and non-polar, with glutamic acid, which is acidic and polar, at codon 257 of the CDK4 protein (p.Val257Glu). This variant is not present in population databases (gnomAD no frequency). This variant has not been reported in the literature in individuals affected with CDK4-related conditions. ClinVar contains an entry for this variant (Variation ID: 942816). Advanced modeling of protein sequence and biophysical properties (such as structural, functional, and spatial information, amino acid conservation, physicochemical variation, residue mobility, and thermodynamic stability) performed at Invitae indicates that this missense variant is not expected to disrupt CDK4 protein function with a negative predictive value of 95%. In summary, the available evidence is currently insufficient to determine the role of this variant in disease. Therefore, it has been classified as a Variant of Uncertain Significance.

Ambry Genetics
Classification: Uncertain significance for Hereditary cancer-predisposing syndrome. Last evaluated: 2021-12-20. Review status: criteria provided, single submitter. Criteria: Ambry Variant Classification Scheme 2023. Collection method: clinical testing. Allele origin: germline.
Comment: The p.V257E variant (also known as c.770T>A), located in coding exon 6 of the CDK4 gene, results from a T to A substitution at nucleotide position 770. The valine at codon 257 is replaced by glutamic acid, an amino acid with dissimilar properties. This amino acid position is not well conserved in available vertebrate species. In addition, the in silico prediction for this alteration is inconclusive. Since supporting evidence is limited at this time, the clinical significance of this alteration remains unclear.